The following is an entry in ClinVar:

ClinVar aggregate classification (germline): Pathogenic (1 of 4 stars; one submission).

Submission:

Labcorp Genetics (formerly Invitae), Labcorp
Classification: Pathogenic. Last evaluated: 2022-10-17. Review status: criteria provided, single submitter. Criteria: Invitae Variant Classification Sherloc (09022015). Collection method: clinical testing. Allele origin: germline.
Comment: For these reasons, this variant has been classified as Pathogenic. This variant has not been reported in the literature in individuals affected with USH2A-related conditions. This variant is a gross deletion of the genomic region encompassing exon(s) 46-47 of the USH2A gene. This deletion is out-of-frame, and is expected to create a premature termination codon and result in an absent or disrupted protein product. Loss-of-function variants in USH2A are known to be pathogenic (PMID: 10729113, 10909849, 20507924, 25649381).

Literature cited by the submitters: PubMed 10729113; PubMed 10909849; PubMed 20507924; PubMed 25649381.

NC_000001.10:g.(?_216011313)_(216017858_?)del

Gene: USH2A (usherin; minus strand). Cytogenetic location: 1q41.
Variant type: Deletion.
Identifiers: ClinVar variation 1457279 (VCV001457279.5).